The following is an entry in ClinVar:

ClinVar aggregate classification (germline): Uncertain significance (1 of 4 stars; one submission).

Conditions:
Arthrogryposis. Identifiers: MedGen C0003886, MONDO:0008779.

Submission:

Clinical Genetics Laboratory, Skane University Hospital Lund
Classification: Uncertain significance for Arthrogryposis. Last evaluated: 2026-07-16. Review status: criteria provided, single submitter. Criteria: ACMG Guidelines, 2015. Collection method: clinical testing. Allele origin: biparental. Inheritance: Autosomal recessive inheritance. Affected: yes.
Comment: ACMG criteria used: PM2_Supporting, PM3_Supporting.

NM_000540.3(RYR1):c.9122+3G>C

Gene: RYR1 (ryanodine receptor 1; plus strand). Cytogenetic location: 19q13.2.
Variant type: single nucleotide variant.
Coding change: c.9122+3G>C on transcript NM_000540.3 (MANE Select); 3 bases into the intron after coding-DNA position 9122, G replaced by C.
Molecular consequence: intron variant.
Genome position (GRCh38, 1-based): chr19:38,510,784, G>C. VCF-style: chr19-38510784-G-C. GRCh37 (hg19) VCF-style: chr19-39001424-G-C.
Other names: c.9122+3G>C (NM_001042723.2).
Identifiers: ClinVar variation 4890897 (VCV004890897.1).